The following is an entry in ClinVar:

NM_000038.6(APC):c.674A>T (p.Glu225Val)

Gene: APC (APC regulator of Wnt signaling pathway; plus strand). Cytogenetic location: 5q22.2.
Variant type: single nucleotide variant.
Coding change: c.674A>T on transcript NM_000038.6 (MANE Select); coding-DNA position 674, A replaced by T.
Protein change: p.Glu225Val; replaces glutamic acid 225 with valine.
Molecular consequence: missense variant. On other transcripts: 5 prime UTR variant (1), intron variant (2).
Genome position (GRCh38, 1-based): chr5:112,792,474, A>T. VCF-style: chr5-112792474-A-T. GRCh37 (hg19) VCF-style: chr5-112128171-A-T.
Other names: c.674A>T, p.Glu225Val (NM_001127510.3, NM_001354895.2, NM_001354896.2 and 1 more transcripts); c.704A>T, p.Glu235Val (NM_001354897.2, NM_001354902.2); c.599A>T, p.Glu200Val (NM_001354898.2, NM_001354904.2); c.497A>T, p.Glu166Val (NM_001354900.2, NM_001354901.2, NM_001354905.2); c.-362A>T (NM_001354906.2); c.676-8805A>T (NM_001127511.3); c.646-8805A>T (NM_001354899.2); short protein forms E225V, E200V, E166V, E235V.
Identifiers: ClinVar variation 470061 (VCV000470061.16), dbSNP rs1255190244, ClinGen allele CA16022810.

ClinVar aggregate classification (germline): Uncertain significance. Review status: criteria provided, multiple submitters, no conflicts (2 of 4 stars). 2 submissions from 2 submitters: Uncertain significance (2). Last evaluated 2025-08-14.

Conditions:
Hereditary cancer-predisposing syndrome. Also called: Hereditary neoplastic syndrome; Neoplastic Syndromes, Hereditary; Tumor predisposition; Hereditary Cancer Syndrome. Identifiers: Orphanet 140162, MedGen C0027672, MeSH D009386, MONDO:0015356.
Familial adenomatous polyposis 1 (FAP1). Also called: POLYPOSIS, ADENOMATOUS INTESTINAL; FAMILIAL ADENOMATOUS POLYPOSIS 1, ATTENUATED. Identifiers: MedGen C2713442, MONDO:0021056, OMIM 175100. Disease mechanism: loss of function.

Allele frequency attached by ClinVar (database versions not stated): TOPMed below 0.00001; gnomAD 0.00001.
gnomAD v4.1: 1 of 1,611,170 alleles (0.000062%); highest among the groups gnomAD compares: Non-Finnish European, 0.000085%; no homozygotes.

Submissions (2):

Ambry Genetics
Classification: Uncertain significance for Hereditary cancer-predisposing syndrome. Last evaluated: 2025-08-14. Review status: criteria provided, single submitter. Criteria: Ambry Variant Classification Scheme 2023. Collection method: clinical testing. Allele origin: germline.
Comment: The p.E225V variant (also known as c.674A>T), located in coding exon 6 of the APC gene, results from an A to T substitution at nucleotide position 674. The glutamic acid at codon 225 is replaced by valine, an amino acid with dissimilar properties. This amino acid position is highly conserved in available vertebrate species. In addition, in silico predictors for this gene do not accurately predict pathogenicity. Missense alterations in APC are not a common cause of disease (Spier I et al. Genet Med. 2024 Feb;26(2):100992). Based on the available evidence, the clinical significance of this variant remains unclear.

Labcorp Genetics (formerly Invitae), Labcorp
Classification: Uncertain significance for Familial adenomatous polyposis 1. Last evaluated: 2018-08-12. Review status: criteria provided, single submitter. Criteria: Invitae Variant Classification Sherloc (09022015). Collection method: clinical testing. Allele origin: germline.
Comment: In summary, the available evidence is currently insufficient to determine the role of this variant in disease. Therefore, it has been classified as a Variant of Uncertain Significance. Algorithms developed to predict the effect of missense changes on protein structure and function are either unavailable or do not agree on the potential impact of this missense change (SIFT: "Tolerated"; PolyPhen-2: "Probably Damaging"; Align-GVGD: "Class C0"). This variant has not been reported in the literature in individuals with APC-related disease. ClinVar contains an entry for this variant (Variation ID: 470061). This variant is not present in population databases (ExAC no frequency). This sequence change replaces glutamic acid with valine at codon 225 of the APC protein (p.Glu225Val). The glutamic acid residue is highly conserved and there is a moderate physicochemical difference between glutamic acid and valine.